The following is an entry in ClinVar:

ClinVar aggregate classification (germline): Pathogenic. Review status: criteria provided, single submitter (1 of 4 stars). 2 submissions from 2 submitters: Pathogenic (1). 1 of the submissions does not count toward it. Last evaluated 2025-02-17.

Conditions:
Autosomal recessive congenital ichthyosis 5 (ARCI5). Also called: Ichthyosis, nonlamellar and nonerythrodermic, congenital, autosomal recessive; ICHTHYOSIS CONGENITA III. Identifiers: Orphanet 313, MedGen C1858133, MONDO:0011485, OMIM 604777.
Lamellar ichthyosis. Identifiers: Orphanet 313, MedGen C5848247, MONDO:0017778.

Allele frequency attached by ClinVar (database versions not stated): gnomAD exomes below 0.00001.
gnomAD v4.1: 6 of 1,614,134 alleles (0.00037%); highest among the groups gnomAD compares: Non-Finnish European, 0.00051%; no homozygotes.

Submissions (2):

Women's Health and Genetics/Laboratory Corporation of America, LabCorp
Classification: Pathogenic for Lamellar ichthyosis. Last evaluated: 2025-02-17. Review status: criteria provided, single submitter. Criteria: LabCorp Variant Classification Summary - May 2015. Collection method: clinical testing. Allele origin: germline.
Comment: Variant summary: CYP4F22 c.242G>A (p.Gly81Asp) results in a non-conservative amino acid change in the encoded protein sequence. Three of five in-silico tools predict a damaging effect of the variant on protein function. The variant was absent in 251438 control chromosomes. c.242G>A has been reported in the literature in individuals affected with Lamellar Ichthyosis (e.g. Hotz_2018, Diociaiuti_2024). These data indicate that the variant is likely to be associated with disease. At least one publication reports experimental evidence evaluating an impact on protein function and found that the variant results in <10% of WT enzyme activity (Nohara_2021). The following publications have been ascertained in the context of this evaluation (PMID: 30011118, 38588653, 33067036). ClinVar contains an entry for this variant (Variation ID: 560306). Based on the evidence outlined above, the variant was classified as pathogenic.

Institute for Human Genetics, University Medical Center Freiburg
Classification: Pathogenic for Autosomal recessive congenital ichthyosis 5. Last evaluated: 2018-04-23. Review status: no assertion criteria provided. Collection method: clinical testing. Allele origin: germline. Affected: yes. Not counted in ClinVar's aggregate classification.

Literature cited by the submitters: PubMed 30011118 (cited by Women's Health and Genetics/Laboratory Corporation of America, LabCorp and Institute for Human Genetics, University Medical Center Freiburg); PubMed 33067036 (cited by Women's Health and Genetics/Laboratory Corporation of America, LabCorp); PubMed 38588653 (cited by Women's Health and Genetics/Laboratory Corporation of America, LabCorp).

NM_173483.4(CYP4F22):c.242G>A (p.Gly81Asp)

Gene: CYP4F22 (cytochrome P450 family 4 subfamily F member 22; plus strand). Cytogenetic location: 19p13.12.
Variant type: single nucleotide variant.
Coding change: c.242G>A on transcript NM_173483.4 (MANE Select); coding-DNA position 242, G replaced by A.
Protein change: p.Gly81Asp; replaces glycine 81 with aspartic acid.
Molecular consequence: missense variant.
Genome position (GRCh38, 1-based): chr19:15,529,728, G>A. VCF-style: chr19-15529728-G-A. GRCh37 (hg19) VCF-style: chr19-15640539-G-A.
Other names: short protein forms G81D.
Identifiers: ClinVar variation 560306 (VCV000560306.3), dbSNP rs369811073, ClinGen allele CA305819020.